The following is an entry in ClinVar:

NM_001371596.2(MFSD8):c.754+2T>A

Gene: MFSD8 (major facilitator superfamily domain containing 8; minus strand). Cytogenetic location: 4q28.2.
Variant type: single nucleotide variant.
Coding change: c.754+2T>A on transcript NM_001371596.2 (MANE Select); the canonical splice donor site of the intron after coding-DNA position 754, T replaced by A.
Molecular consequence: splice donor variant. On other transcripts: intron variant (3).
Genome position (GRCh38, 1-based): chr4:127,938,781, A>T on the plus strand (T>A on the coding strand, the complement: MFSD8 is on the minus strand). VCF-style: chr4-127938781-A-T. GRCh37 (hg19) VCF-style: chr4-128859936-A-T.
Other names: c.754+2T>A; c.472+2T>A (NM_001371595.1); c.304+4971T>A (NM_001410765.1); c.619+2T>A (NM_001371590.2); c.754+2T>A (NM_152778.4, NM_001371591.2); c.439+4971T>A (NM_001363521.3); c.640+2T>A (NM_001410766.1, NM_001371593.2); c.553+3264T>A (NM_001363520.3); and 2 more.
Identifiers: ClinVar variation 65897 (VCV000065897.26), dbSNP rs587778809, ClinGen allele CA315968.

ClinVar aggregate classification (germline): Pathogenic/Likely pathogenic. Review status: criteria provided, multiple submitters, no conflicts (2 of 4 stars). 8 submissions from 8 submitters: Pathogenic (6); Likely pathogenic (1). 1 of the submissions does not count toward it. Last evaluated 2026-01-27.

Conditions:
MFSD8-related disorders.
Late-infantile neuronal ceroid lipofuscinosis. Also called: Jansky-Bielschowsky disease. Identifiers: MedGen C0022340, MONDO:0015674.
Macular dystrophy with central cone involvement (CCMD). Identifiers: MedGen C4015371, MONDO:0014515, OMIM 616170.
Neuronal ceroid lipofuscinosis 7 (CLN7). Also called: MFSD8-Related Neuronal Ceroid-Lipofuscinosis. Identifiers: Orphanet 168491, Orphanet 228366, MedGen C1838571, MONDO:0012588, OMIM 610951.

Allele frequency attached by ClinVar (database versions not stated): ExAC 0.00001; gnomAD exomes 0.00001 and 0.00002; TOPMed 0.00002; gnomAD 0.00003.
gnomAD v4.1: 26 of 1,606,642 alleles (0.0016%); highest among the groups gnomAD compares: Non-Finnish European, 0.0021%; no homozygotes.

Submissions (8):

Labcorp Genetics (formerly Invitae), Labcorp
Classification: Pathogenic for Neuronal ceroid lipofuscinosis 7. Last evaluated: 2026-01-27. Review status: criteria provided, single submitter. Criteria: Invitae Variant Classification Sherloc (09022015). Collection method: clinical testing. Allele origin: germline.
Comment: This sequence change affects a donor splice site in intron 8 of the MFSD8 gene. It is expected to disrupt RNA splicing. Variants that disrupt the donor or acceptor splice site typically lead to a loss of protein function (PMID: 16199547), and loss-of-function variants in MFSD8 are known to be pathogenic (PMID: 19177532, 25227500, 28586915). This variant is present in population databases (rs587778809, gnomAD 0.003%). Disruption of this splice site has been observed in individuals with MFSD8-related conditions (PMID: 17564970, 19201763, 25439737). It has also been observed to segregate with disease in related individuals. ClinVar contains an entry for this variant (Variation ID: 65897). Algorithms developed to predict the effect of sequence changes on RNA splicing suggest that this variant may disrupt the consensus splice site. For these reasons, this variant has been classified as Pathogenic.

Natera, Inc.
Classification: Pathogenic for Late-infantile neuronal ceroid lipofuscinosis. Last evaluated: 2025-10-10. Review status: criteria provided, single submitter. Criteria: Natera Variant Classification Schema (03/2026). Collection method: clinical testing. Allele origin: germline.
Comment: The c.754+2T>A variant in MFSD8 is a canonical splice donor site variant predicted to affect pre-mRNA splicing, which may result in an abnormal transcript and altered protein product. This variant is expected to result in nonsense mediated decay, truncation, or a dysfunctional protein product. This variant is rare in the general population with a frequency below the threshold expected for the associated phenotype(s). This variant has been observed in one or more individuals affected with the associated recessive disease, as either homozygous or compound heterozygous with a second variant (PMID: 25439737, 17564970). Functional studies show that this variant may disrupt protein function (PMID: 17564970). Given the available evidence, this variant is classified as Pathogenic.

Blueprint Genetics
Classification: Pathogenic for MFSD8-related disorders. Last evaluated: 2024-06-19. Review status: criteria provided, single submitter. Criteria: ACMG Guidelines, 2015. Collection method: clinical testing. Allele origin: germline. Affected: yes. Observed: 5 variant alleles.

GeneDx
Classification: Pathogenic. Last evaluated: 2022-07-08. Review status: criteria provided, single submitter. Criteria: GeneDx Variant Classification Process June 2021. Collection method: clinical testing. Allele origin: germline. Affected: yes.
Comment: Canonical splice site variant predicted to result in a null allele in a gene for which loss-of-function is a known mechanism of disease; Not observed at a significant frequency in large population cohorts (gnomAD); A different variant affecting the same splice site (c.754+1G>A) has been reported in association with late infantile neuronal ceroid lipofuscinosis (Kousi et al., 2012); This variant is associated with the following publications: (PMID: 25525159, 19277732, 25439737, 31589614, 17564970)

Institute of Medical Molecular Genetics, University of Zurich
Classification: Likely pathogenic for Macular dystrophy with central cone involvement. Last evaluated: 2021-01-30. Review status: criteria provided, single submitter. Criteria: ACMG Guidelines, 2015. Collection method: clinical testing. Allele origin: unknown. Affected: yes.

Centre for Mendelian Genomics, University Medical Centre Ljubljana
Classification: Pathogenic for Neuronal ceroid lipofuscinosis 7. Last evaluated: 2018-12-24. Review status: criteria provided, single submitter. Criteria: ACMG Guidelines, 2015. Collection method: clinical testing. Allele origin: unknown. Affected: yes.
Comment: This variant was classified as: Pathogenic. The following ACMG criteria were applied in classifying this variant: PVS1,PM2,PP3,PP5.

Illumina Laboratory Services, Illumina
Classification: Pathogenic for Neuronal ceroid lipofuscinosis 7. Last evaluated: 2017-04-27. Review status: criteria provided, single submitter. Criteria: ICSL Variant Classification Criteria 09 May 2019. Collection method: clinical testing. Allele origin: germline.
Comment: The MFSD8 c.754+2T>A variant occurs in a canonical splice donor site and is therefore predicted to disrupt or distort the normal gene product. The variant has been reported in four studies and found in a total of 12 individuals with confirmed or suspected neuronal ceroid-lipofuscinosis, including in eight individuals (including two siblings) in a homozygous state and in four individuals in a compound heterozygous state (Siintola et al. 2007; Kousi et al. 2009; Kousi et al. 2011; Craiu et al. 2015). The c.754+2T>A variant was also reported in a heterozygous state in one unaffected parent. The variant was absent from 504 control chromosomes and not found in the 1000 Genomes Project, the Exome Sequencing Project, or the Exome Aggregation Consortium. RT-PCR showed aberrant splicing of the variant mRNA leading to an altered pattern of products including almost complete loss of the normal transcript containing exons 7-10 of the gene (Siintola et al. 2007). Based on potential impact of splice donor variants and the evidence from the literature, the c.754+2T>A variant is classified as pathogenic for neuronal ceroid-lipofuscinosis. This variant was observed by ICSL as part of a predisposition screen in an ostensibly healthy population.

GeneReviews
Classification: Pathogenic for Neuronal Ceroid-Lipofuscinoses. Last evaluated: 2013-08-01. Review status: no assertion criteria provided. Collection method: curation. Allele origin: unknown. Not counted in ClinVar's aggregate classification.
ClinVar note: Converted during submission from pathologic to Pathogenic.

Literature cited by the submitters: PubMed 16199547 (cited by Labcorp Genetics (formerly Invitae), Labcorp); PubMed 19177532 (cited by Labcorp Genetics (formerly Invitae), Labcorp); PubMed 25227500 (cited by Labcorp Genetics (formerly Invitae), Labcorp); PubMed 28586915 (cited by Labcorp Genetics (formerly Invitae), Labcorp); PubMed 17564970 (cited by 3 submitters); PubMed 19201763 (cited by Labcorp Genetics (formerly Invitae), Labcorp and Illumina Laboratory Services, Illumina); PubMed 25439737 (cited by 3 submitters); PubMed 21990111 (cited by Illumina Laboratory Services, Illumina).